The following is an entry in ClinVar:

ClinVar aggregate classification (germline): Uncertain significance (1 of 4 stars; one submission).

Submission:

CeGaT Center for Human Genetics Tuebingen
Classification: Uncertain significance. Last evaluated: 2022-11-01. Review status: criteria provided, single submitter. Criteria: CeGaT Center For Human Genetics Tuebingen Variant Classification Criteria Version 2. Collection method: clinical testing. Allele origin: germline. Affected: yes. Observed: 1 variant allele.
Comment: NPAS3: PM2

NM_001164749.2(NPAS3):c.1006C>T (p.Arg336Ter)

Gene: NPAS3 (neuronal PAS domain protein 3; plus strand). Cytogenetic location: 14q13.1.
Variant type: single nucleotide variant.
Coding change: c.1006C>T on transcript NM_001164749.2 (MANE Select); coding-DNA position 1006, C replaced by T.
Protein change: p.Arg336Ter; replaces arginine 336 with a stop codon.
Molecular consequence: nonsense.
Genome position (GRCh38, 1-based): chr14:33,774,490, C>T. VCF-style: chr14-33774490-C-T. GRCh37 (hg19) VCF-style: chr14-34243696-C-T.
Other names: c.916C>T, p.Arg306Ter (NM_001165893.2, NM_001394989.1); c.961C>T, p.Arg321Ter (NM_001394988.1); c.910C>T, p.Arg304Ter (NM_022123.3); c.967C>T, p.Arg323Ter (NM_173159.3); short protein forms R304*, R306*, R321*, R323*, R336*.
Identifiers: ClinVar variation 2644158 (VCV002644158.24), dbSNP rs2138471675, ClinGen allele CA389415205.